The following is an entry in ClinVar:

NM_017849.4(TMEM127):c.13G>T (p.Gly5Ter)

Genes: TMEM127 (transmembrane protein 127; minus strand), LOC129934333 (ATAC-STARR-seq lymphoblastoid silent region 11759; plus strand). Cytogenetic location: 2q11.2.
Variant type: single nucleotide variant.
Coding change: c.13G>T on transcript NM_017849.4 (MANE Select); coding-DNA position 13, G replaced by T.
Protein change: p.Gly5Ter; replaces glycine 5 with a stop codon.
Molecular consequence: nonsense. On other transcripts: intron variant (1).
Genome position (GRCh38, 1-based): chr2:96,265,369, C>A on the plus strand (G>T on the coding strand, the complement: TMEM127 is on the minus strand). VCF-style: chr2-96265369-C-A. GRCh37 (hg19) VCF-style: chr2-96931107-C-A.
Other names: c.13G>T, p.Gly5Ter (NM_001193304.3); c.-9+500G>T (NM_001407283.1); short protein forms G5*.
Identifiers: ClinVar variation 2962972 (VCV002962972.3), dbSNP rs786202314, ClinGen allele CA347656335.

ClinVar aggregate classification (germline): Pathogenic (1 of 4 stars; one submission).

Conditions:
Hereditary pheochromocytoma and paraganglioma. Also called: Hereditary paragangliomas and pheochromocytomas; Hereditary Paraganglioma-Pheochromocytoma Syndromes; Hereditary pheochromocytoma-paraganglioma. Identifiers: Orphanet 29072, MedGen C4274332, MONDO:0017366.

gnomAD v4.1: 1 of 1,465,784 alleles (0.000068%); highest among the groups gnomAD compares: Non-Finnish European, 0.00009%; no homozygotes.

Submission:

Labcorp Genetics (formerly Invitae), Labcorp
Classification: Pathogenic for Hereditary pheochromocytoma and paraganglioma. Last evaluated: 2023-11-02. Review status: criteria provided, single submitter. Criteria: Invitae Variant Classification Sherloc (09022015). Collection method: clinical testing. Allele origin: germline.
Comment: This sequence change creates a premature translational stop signal (p.Gly5*) in the TMEM127 gene. It is expected to result in an absent or disrupted protein product. Loss-of-function variants in TMEM127 are known to be pathogenic (PMID: 20154675, 21156949). This variant is not present in population databases (gnomAD no frequency). This variant has not been reported in the literature in individuals affected with TMEM127-related conditions. For these reasons, this variant has been classified as Pathogenic.

Literature cited by the submitters: PubMed 20154675; PubMed 21156949.